The following is an entry in ClinVar:

ClinVar aggregate classification (germline): Conflicting classifications of pathogenicity. Review status: criteria provided, conflicting classifications (1 of 4 stars). 3 submissions from 3 submitters: Uncertain significance (2); Benign (1). Last evaluated 2025-07-28.

Conditions:
Hereditary cancer-predisposing syndrome. Also called: Neoplastic Syndromes, Hereditary; Hereditary neoplastic syndrome; Tumor predisposition; Hereditary Cancer Syndrome. Identifiers: Orphanet 140162, MedGen C0027672, MeSH D009386, MONDO:0015356.
Tuberous sclerosis syndrome (TSC). Also called: Tuberous Sclerosis Complex; Tuberous sclerosis. Identifiers: Orphanet 805, MedGen C0041341, MONDO:0001734.
Tuberous sclerosis 2 (TSC2). Identifiers: Orphanet 805, MedGen C1860707, MONDO:0013199, OMIM 613254.

Submissions (3):

Ambry Genetics
Classification: Uncertain significance for Hereditary cancer-predisposing syndrome. Last evaluated: 2025-07-28. Review status: criteria provided, single submitter. Criteria: Ambry Variant Classification Scheme 2023. Collection method: clinical testing. Allele origin: germline.
Comment: The p.T577S variant (also known as c.1729A>T), located in coding exon 16 of the TSC2 gene, results from an A to T substitution at nucleotide position 1729. The threonine at codon 577 is replaced by serine, an amino acid with similar properties. This amino acid position is not well conserved in available vertebrate species. In addition, this alteration is predicted to be tolerated by in silico analysis. Based on the available evidence, the clinical significance of this variant remains unclear.

All of Us Research Program, National Institutes of Health
Classification: Uncertain significance for Tuberous sclerosis syndrome. Last evaluated: 2024-05-09. Review status: criteria provided, single submitter. Criteria: ACMG Guidelines, 2015. Collection method: clinical testing. Allele origin: germline. Inheritance: Autosomal dominant inheritance. Observed: 2 variant alleles, 2 heterozygotes.
Comment: This study involves interpretation of variants in research participants for the purpose of population health screening. Participant phenotype was not available at the time of variant classification. Additional details can be found in publication PMID: 35346344, PMCID: PMC8962531

Labcorp Genetics (formerly Invitae), Labcorp
Classification: Benign for Tuberous sclerosis 2. Last evaluated: 2023-07-07. Review status: criteria provided, single submitter. Criteria: Invitae Variant Classification Sherloc (09022015). Collection method: clinical testing. Allele origin: germline.

NM_000548.5(TSC2):c.1729A>T (p.Thr577Ser)

Gene: TSC2 (TSC complex subunit 2; plus strand). Cytogenetic location: 16p13.3.
Variant type: single nucleotide variant.
Coding change: c.1729A>T on transcript NM_000548.5 (MANE Select); coding-DNA position 1729, A replaced by T.
Protein change: p.Thr577Ser; replaces threonine 577 with serine.
Molecular consequence: missense variant.
Genome position (GRCh38, 1-based): chr16:2,070,468, A>T. VCF-style: chr16-2070468-A-T. GRCh37 (hg19) VCF-style: chr16-2120469-A-T.
Other names: c.1729A>T, p.Thr577Ser (NM_001077183.3, NM_001114382.3, NM_001363528.2 and 3 more transcripts); c.1618A>T, p.Thr540Ser (NM_001318827.2); c.1582A>T, p.Thr528Ser (NM_001318829.2); c.1129A>T, p.Thr377Ser (NM_001318831.2); c.1762A>T, p.Thr588Ser (NM_001318832.2); short protein forms T528S, T540S, T377S, T577S, T588S.
Identifiers: ClinVar variation 843352 (VCV000843352.12), dbSNP rs1204749633, ClinGen allele CA394272687.